The following is an entry in ClinVar:

ClinVar aggregate classification (germline): Uncertain significance (1 of 4 stars; one submission).

Conditions:
RFX6-related disorder. Also called: RFX6-related condition.

Submission:

PreventionGenetics, part of Exact Sciences
Classification: Uncertain significance for RFX6-related condition. Last evaluated: 2026-03-11. Review status: criteria provided, single submitter. Criteria: ACMG Guidelines, 2015. Collection method: clinical testing. Allele origin: germline.
Comment: The RFX6 c.2307_2308delinsAA variant is predicted to result in an in-frame deletion and insertion. To our knowledge, this variant has not been reported in the literature or in a large population database (gnomAD), indicating this variant is rare. At this time, the clinical significance of this variant is uncertain due to the absence of conclusive functional and genetic evidence.

NM_173560.4(RFX6):c.2307_2308delinsAA (p.Met769_Gln770delinsIleLys)

Gene: RFX6 (regulatory factor X6; plus strand). Cytogenetic location: 6q22.1.
Variant type: Indel.
Coding change: c.2307_2308delinsAA on transcript NM_173560.4 (MANE Select); coding-DNA positions 2307 to 2308, GC replaced by AA.
Protein change: p.Met769_Gln770delinsIleLys.
Molecular consequence: missense variant.
Genome position (GRCh38, 1-based): chr6:116,927,448-116,927,449, GC replaced by AA. VCF-style: chr6-116927448-GC-AA. GRCh37 (hg19) VCF-style: chr6-117248611-GC-AA.
Identifiers: ClinVar variation 4995802 (VCV004995802.1).